The following is an entry in ClinVar:

NM_016203.4(PRKAG2):c.591C>T (p.Pro197=)

Gene: PRKAG2 (protein kinase AMP-activated non-catalytic subunit gamma 2; minus strand). Cytogenetic location: 7q36.1.
Variant type: single nucleotide variant.
Coding change: c.591C>T on transcript NM_016203.4 (MANE Select); coding-DNA position 591, C replaced by T.
Protein change: p.Pro197=; no amino-acid change (proline 197 retained).
Molecular consequence: synonymous variant.
Genome position (GRCh38, 1-based): chr7:151,675,513, G>A on the plus strand (C>T on the coding strand, the complement: PRKAG2 is on the minus strand). VCF-style: chr7-151675513-G-A. GRCh37 (hg19) VCF-style: chr7-151372599-G-A.
Other names: p.P197P:CCC>CCT; c.459C>T, p.Pro153= (NM_001040633.2); c.219C>T, p.Pro73= (NM_001304527.2, NM_001363698.2).
Identifiers: ClinVar variation 138810 (VCV000138810.18), dbSNP rs587781126, ClinGen allele CA014380.

ClinVar aggregate classification (germline): Benign/Likely benign. Review status: criteria provided, multiple submitters, no conflicts (2 of 4 stars). 8 submissions from 8 submitters: Benign (1); Likely benign (7). Last evaluated 2026-01-27.

Conditions:
Cardiovascular phenotype. Identifiers: MedGen CN230736.
PRKAG2-related disorder. Also called: PRKAG2-related condition; PRKAG2-related disorders.
Cardiomyopathy (CMYO). Also called: Cardiomyopathies. Identifiers: Orphanet 167848, MedGen C0878544, MONDO:0004994, HP:0001638. Inheritance: Various modes of inheritance.
Lethal congenital glycogen storage disease of heart. Also called: PHOSPHORYLASE KINASE DEFICIENCY OF HEART; GLYCOGEN STORAGE DISEASE OF HEART. Identifiers: Orphanet 439854, MedGen C1849813, MONDO:0009867, OMIM 261740.
Hypertrophic cardiomyopathy. Also called: HYPERTROPHIC MYOCARDIOPATHY. Identifiers: Orphanet 217569, MedGen C0007194, MeSH D002312, MONDO:0005045, HP:0001639.

Allele frequency attached by ClinVar (database versions not stated): TOPMed 0.00002; gnomAD 0.00003.
gnomAD v4.1: 16 of 1,614,120 alleles (0.00099%); highest among the groups gnomAD compares: South Asian, 0.0022%; no homozygotes.

Submissions (8):

PreventionGenetics, part of Exact Sciences
Classification: Likely benign for PRKAG2-related condition. Last evaluated: 2026-01-27. Review status: criteria provided, single submitter. Criteria: ACMG Guidelines, 2015. Collection method: clinical testing. Allele origin: germline.
Comment: This variant is classified as likely benign based on ACMG/AMP sequence variant interpretation guidelines (Richards et al. 2015 PMID: 25741868, with internal and published modifications).

Labcorp Genetics (formerly Invitae), Labcorp
Classification: Likely benign for Lethal congenital glycogen storage disease of heart. Last evaluated: 2026-01-05. Review status: criteria provided, single submitter. Criteria: Invitae Variant Classification Sherloc (09022015). Collection method: clinical testing. Allele origin: germline.

Blueprint Genetics
Classification: Likely benign. Last evaluated: 2024-01-08. Review status: criteria provided, single submitter. Criteria: ACMG Guidelines, 2015. Collection method: clinical testing. Allele origin: germline.

All of Us Research Program, National Institutes of Health
Classification: Likely benign for Hypertrophic cardiomyopathy. Last evaluated: 2023-11-30. Review status: criteria provided, single submitter. Criteria: ACMG Guidelines, 2015. Collection method: clinical testing. Allele origin: germline. Inheritance: Autosomal dominant inheritance. Observed: 6 variant alleles, 6 heterozygotes.
Comment: This study involves interpretation of variants in research participants for the purpose of population health screening. Participant phenotype was not available at the time of variant classification. Additional details can be found in publication PMID: 35346344, PMCID: PMC8962531

Molecular Diagnostic Laboratory for Inherited Cardiovascular Disease, Montreal Heart Institute
Classification: Likely benign. Last evaluated: 2019-11-18. Review status: criteria provided, single submitter. Criteria: ACMG Guidelines, 2015. Collection method: clinical testing. Allele origin: germline. Affected: yes.

Ambry Genetics
Classification: Likely benign for Cardiovascular phenotype. Last evaluated: 2019-10-17. Review status: criteria provided, single submitter. Criteria: Ambry Variant Classification Scheme 2023. Collection method: clinical testing. Allele origin: germline.

Color Diagnostics, LLC DBA Color Health
Classification: Likely benign for Cardiomyopathy. Last evaluated: 2018-12-04. Review status: criteria provided, single submitter. Criteria: ACMG Guidelines, 2015. Collection method: clinical testing. Allele origin: germline.

GeneDx
Classification: Benign. Last evaluated: 2013-05-17. Review status: criteria provided, single submitter. Criteria: GeneDx Variant Classification (06012015). Collection method: clinical testing. Allele origin: germline. Affected: yes.
Comment: This variant is considered likely benign or benign based on one or more of the following criteria: it is a conservative change, it occurs at a poorly conserved position in the protein, it is predicted to be benign by multiple in silico algorithms, and/or has population frequency not consistent with disease.